The following is an entry in ClinVar:

NM_000350.3(ABCA4):c.599T>C (p.Leu200Pro)

Gene: ABCA4 (ATP binding cassette subfamily A member 4; minus strand). Cytogenetic location: 1p22.1.
Variant type: single nucleotide variant.
Coding change: c.599T>C on transcript NM_000350.3 (MANE Select); coding-DNA position 599, T replaced by C.
Protein change: p.Leu200Pro; replaces leucine 200 with proline.
Molecular consequence: missense variant.
Genome position (GRCh38, 1-based): chr1:94,098,963, A>G on the plus strand (T>C on the coding strand, the complement: ABCA4 is on the minus strand). VCF-style: chr1-94098963-A-G. GRCh37 (hg19) VCF-style: chr1-94564519-A-G.
Other names: c.599T>C, p.Leu200Pro (NM_001425324.1); short protein forms L200P.
Identifiers: ClinVar variation 1348749 (VCV001348749.9), dbSNP rs1662215591, ClinGen allele CA341289745.

ClinVar aggregate classification (germline): Conflicting classifications of pathogenicity. Review status: criteria provided, conflicting classifications (1 of 4 stars). 3 submissions from 3 submitters: Likely pathogenic (1); Uncertain significance (2). Last evaluated 2025-07-15.

Allele frequency attached by ClinVar (database versions not stated): gnomAD 0.00001; TOPMed 0.00001.
gnomAD v4.1: 1 of 1,611,066 alleles (0.000062%); highest among the groups gnomAD compares: Non-Finnish European, 0.000085%; no homozygotes.

Submissions (3):

Women's Health and Genetics/Laboratory Corporation of America, LabCorp
Classification: Uncertain significance. Last evaluated: 2025-07-15. Review status: criteria provided, single submitter. Criteria: LabCorp Variant Classification Summary - May 2015. Collection method: clinical testing. Allele origin: germline.
Comment: Variant summary: ABCA4 c.599T>C (p.Leu200Pro) results in a non-conservative amino acid change in the encoded protein sequence. Algorithms developed to predict the effect of missense changes on protein structure and function all suggest that this variant is likely to be disruptive. The variant was absent in 246294 control chromosomes. The available data on variant occurrences in the general population are insufficient to allow any conclusion about variant significance. c.599T>C has been observed in individual(s) affected with Stargardt Disease. These data do not allow any conclusion about variant significance. To our knowledge, no experimental evidence demonstrating an impact on protein function has been reported. ClinVar contains an entry for this variant (Variation ID: 1348749). Based on the evidence outlined above, the variant was classified as uncertain significance.

Labcorp Genetics (formerly Invitae), Labcorp
Classification: Likely pathogenic. Last evaluated: 2023-08-18. Review status: criteria provided, single submitter. Criteria: Invitae Variant Classification Sherloc (09022015). Collection method: clinical testing. Allele origin: germline.
Comment: This sequence change replaces leucine, which is neutral and non-polar, with proline, which is neutral and non-polar, at codon 200 of the ABCA4 protein (p.Leu200Pro). This variant is not present in population databases (gnomAD no frequency). This missense change has been observed in individual(s) with Stargardt disease (Invitae). ClinVar contains an entry for this variant (Variation ID: 1348749). Advanced modeling of protein sequence and biophysical properties (such as structural, functional, and spatial information, amino acid conservation, physicochemical variation, residue mobility, and thermodynamic stability) performed at Invitae indicates that this missense variant is expected to disrupt ABCA4 protein function. In summary, the currently available evidence indicates that the variant is pathogenic, but additional data are needed to prove that conclusively. Therefore, this variant has been classified as Likely Pathogenic.

Blueprint Genetics
Classification: Uncertain significance. Last evaluated: 2021-10-12. Review status: criteria provided, single submitter. Criteria: ACMG Guidelines, 2015. Collection method: clinical testing. Allele origin: germline.